The following is an entry in ClinVar:

ClinVar aggregate classification (germline): Uncertain significance (1 of 4 stars; one submission).

Conditions:
Hereditary hyperferritinemia with congenital cataracts. Also called: HYPERFERRITINEMIA WITH OR WITHOUT CATARACT; Hereditary hyperferritinemia cataract syndrome; Bonneau-Beaumont syndrome. Identifiers: Orphanet 163, MedGen C1833213, MONDO:0010952, OMIM 600886.
Neuroferritinopathy (NBIA3). Also called: NEURODEGENERATION WITH BRAIN IRON ACCUMULATION 3; BASAL GANGLIA DISEASE, ADULT-ONSET. Identifiers: Orphanet 157846, MedGen C1853578, MONDO:0011638, OMIM 606159.

Submission:

Labcorp Genetics (formerly Invitae), Labcorp
Classification: Uncertain significance for Neuroferritinopathy; Hereditary hyperferritinemia with congenital cataracts. Last evaluated: 2025-06-30. Review status: criteria provided, single submitter. Criteria: Invitae Variant Classification Sherloc (09022015). Collection method: clinical testing. Allele origin: germline.
Comment: This variant occurs in a non-coding region of the FTL gene. It does not change the encoded amino acid sequence of the FTL protein. This variant is not present in population databases (gnomAD no frequency). This variant has not been reported in the literature in individuals affected with FTL-related conditions. Experimental studies and prediction algorithms are not available or were not evaluated, and the functional significance of this variant is currently unknown. In summary, the available evidence is currently insufficient to determine the role of this variant in disease. Therefore, it has been classified as a Variant of Uncertain Significance.

NM_000146.4(FTL):c.-86C>A

Gene: FTL (ferritin light chain; plus strand). Cytogenetic location: 19q13.33.
Variant type: single nucleotide variant.
Coding change: c.-86C>A on transcript NM_000146.4 (MANE Select); 86 bases upstream of the start codon, C replaced by A.
Molecular consequence: 5 prime UTR variant.
Genome position (GRCh38, 1-based): chr19:48,965,422, C>A. VCF-style: chr19-48965422-C-A. GRCh37 (hg19) VCF-style: chr19-49468679-C-A.
Identifiers: ClinVar variation 4790923 (VCV004790923.1).